The following is an entry in ClinVar:

ClinVar aggregate classification (germline): Uncertain significance (1 of 4 stars; one submission).

Conditions:
Pulmonary fibrosis and/or bone marrow failure, Telomere-related, 3. Also called: PULMONARY FIBROSIS AND/OR BONE MARROW FAILURE SYNDROME, TELOMERE-RELATED, 3. Identifiers: Orphanet 2032, MedGen C4225346, MONDO:0014613, OMIM 616373.
Dyskeratosis congenita, autosomal recessive 5 (DKCB5). Identifiers: MedGen C3554656, MONDO:0014076, OMIM 615190.

gnomAD v4.1: 17 of 1,598,844 alleles (0.0011%); highest among the groups gnomAD compares: African/African-American, 0.012%; no homozygotes.

Submission:

Labcorp Genetics (formerly Invitae), Labcorp
Classification: Uncertain significance for Dyskeratosis congenita, autosomal recessive 5; Pulmonary fibrosis and/or bone marrow failure, Telomere-related, 3. Last evaluated: 2025-05-25. Review status: criteria provided, single submitter. Criteria: Invitae Variant Classification Sherloc (09022015). Collection method: clinical testing. Allele origin: germline.
Comment: This sequence change falls in intron 13 of the RTEL1 gene. It does not directly change the encoded amino acid sequence of the RTEL1 protein. This variant is present in population databases (no rsID available, gnomAD 0.01%). This variant has not been reported in the literature in individuals affected with RTEL1-related conditions. ClinVar contains an entry for this variant (Variation ID: 3760820). Algorithms developed to predict the effect of sequence changes on RNA splicing suggest that this variant may create or strengthen a splice site. In summary, the available evidence is currently insufficient to determine the role of this variant in disease. Therefore, it has been classified as a Variant of Uncertain Significance.

NM_001283009.2(RTEL1):c.1135+12C>T

Genes: RTEL1 (regulator of telomere elongation helicase 1; plus strand), RTEL1-TNFRSF6B (RTEL1-TNFRSF6B readthrough (NMD candidate); plus strand). Cytogenetic location: 20q13.33.
Variant type: single nucleotide variant.
Coding change: c.1135+12C>T on transcript NM_001283009.2 (MANE Select); 12 bases into the intron after coding-DNA position 1135, C replaced by T.
Molecular consequence: intron variant.
Genome position (GRCh38, 1-based): chr20:63,679,958, C>T. VCF-style: chr20-63679958-C-T. GRCh37 (hg19) VCF-style: chr20-62311311-C-T.
Other names: c.466+12C>T (NM_001283010.1); c.1207+12C>T (NM_032957.5); c.1135+12C>T (NM_016434.4).
Identifiers: ClinVar variation 3760820 (VCV003760820.2).